The following is an entry in ClinVar:

ClinVar aggregate classification (germline): Uncertain significance (1 of 4 stars; one submission).

Conditions:
Nephronophthisis. Also called: Juvenile Nephronophthisis. Identifiers: Orphanet 655, MedGen C0687120, MONDO:0019005, HP:0000090.
Jeune thoracic dystrophy. Also called: Jeune syndrome; Infantile thoracic dystrophy; Thoracic pelvic phalangeal dystrophy; Jeune's syndrome; Chondroectodermal dysplasia-like syndrome; Short-rib thoracic dysplasia. Identifiers: Orphanet 474, MedGen C0265275, MONDO:0018770.

Allele frequency attached by ClinVar (database versions not stated): gnomAD exomes below 0.00001; TOPMed below 0.00001; gnomAD 0.00001.
gnomAD v4.1: 3 of 1,611,838 alleles (0.00019%); highest among the groups gnomAD compares: Non-Finnish European, 0.00025%; no homozygotes.

Submission:

Labcorp Genetics (formerly Invitae), Labcorp
Classification: Uncertain significance for Jeune thoracic dystrophy; Nephronophthisis. Last evaluated: 2023-05-08. Review status: criteria provided, single submitter. Criteria: Invitae Variant Classification Sherloc (09022015). Collection method: clinical testing. Allele origin: germline.
Comment: In summary, the available evidence is currently insufficient to determine the role of this variant in disease. Therefore, it has been classified as a Variant of Uncertain Significance. Advanced modeling of protein sequence and biophysical properties (such as structural, functional, and spatial information, amino acid conservation, physicochemical variation, residue mobility, and thermodynamic stability) performed at Invitae indicates that this missense variant is not expected to disrupt TTC21B protein function. This sequence change replaces leucine, which is neutral and non-polar, with phenylalanine, which is neutral and non-polar, at codon 240 of the TTC21B protein (p.Leu240Phe). This variant is present in population databases (no rsID available, gnomAD 0.007%). This variant has not been reported in the literature in individuals affected with TTC21B-related conditions. ClinVar contains an entry for this variant (Variation ID: 1379341).

NM_024753.5(TTC21B):c.718C>T (p.Leu240Phe)

Gene: TTC21B (tetratricopeptide repeat domain 21B; minus strand). Cytogenetic location: 2q24.3.
Variant type: single nucleotide variant.
Coding change: c.718C>T on transcript NM_024753.5 (MANE Select); coding-DNA position 718, C replaced by T.
Protein change: p.Leu240Phe; replaces leucine 240 with phenylalanine.
Molecular consequence: missense variant.
Genome position (GRCh38, 1-based): chr2:165,933,050, G>A on the plus strand (C>T on the coding strand, the complement: TTC21B is on the minus strand). VCF-style: chr2-165933050-G-A. GRCh37 (hg19) VCF-style: chr2-166789560-G-A.
Other names: short protein forms L240F.
Identifiers: ClinVar variation 1379341 (VCV001379341.8), dbSNP rs1338382358, ClinGen allele CA349049278.